The following is an entry in ClinVar:

NM_014754.3(PTDSS1):c.1301A>C (p.Lys434Thr)

Gene: PTDSS1 (phosphatidylserine synthase 1; plus strand). Cytogenetic location: 8q22.1.
Variant type: single nucleotide variant.
Coding change: c.1301A>C on transcript NM_014754.3 (MANE Select); coding-DNA position 1301, A replaced by C.
Protein change: p.Lys434Thr; replaces lysine 434 with threonine.
Molecular consequence: missense variant.
Genome position (GRCh38, 1-based): chr8:96,331,084, A>C. VCF-style: chr8-96331084-A-C. GRCh37 (hg19) VCF-style: chr8-97343312-A-C.
Other names: c.863A>C, p.Lys288Thr (NM_001290225.2); short protein forms K288T, K434T.
Identifiers: ClinVar variation 1401628 (VCV001401628.10), dbSNP rs762517295, ClinGen allele CA4816813.
Genomic context (GRCh38, chr8:96,331,084, plus strand): 5'-AGACCTACTCGGAGTGTGAAGATGGCACCTACAGTCCAGAGATCTCCTGGCATCACAGGA[A>C]AGGGACAAAAGGTATCTTGTTCTTGTTCGTTGTTTAAAATTTTACTGGGTCCTTGAGATG-3'
Protein context (NP_055569.1, residues 424-444): YSPEISWHHR[Lys434Thr]GTKGSEDSPP

ClinVar aggregate classification (germline): Uncertain significance. Review status: criteria provided, multiple submitters, no conflicts (2 of 4 stars). 2 submissions from 2 submitters: Uncertain significance (2). Last evaluated 2025-11-17.

Conditions:
Lenz-Majewski hyperostosis syndrome (LMHD). Also called: LENZ-MAJEWSKI SYNDROME; PTDSS1-Related Lenz-Majewski Hyperostotic Dysplasia; Lenz-Majewski hyperostotic dysplasia; Multiple congenital anomalies, mental retardation and progressive skeletal sclerosis; Hyperostotic dwarfism Lenz-Majewski type. Identifiers: Orphanet 2658, MedGen C0432269, MONDO:0007892, OMIM 151050.

Allele frequency attached by ClinVar (database versions not stated): gnomAD exomes 0.00001 and below 0.00001; ExAC 0.00001.
gnomAD v4.1: 21 of 1,602,518 alleles (0.0013%); highest among the groups gnomAD compares: East Asian, 0.045%; no homozygotes.

Submissions (2):

Dasa
Classification: Uncertain significance for Lenz-Majewski hyperostotic dwarfism. Last evaluated: 2025-11-17. Review status: criteria provided, single submitter. Criteria: DASA Assertion Criteria. Collection method: clinical testing. Allele origin: germline.
Comment: NM_014754.3(PTDSS1):c.1301A>C (p.Lys434Thr) is a missense variant that results in the substitution of lysine with threonine. This variant is rare in population databases. Computational prediction algorithms are consistent with a benign effect. The currently available literature and clinical evidence are not sufficient to establish a definitive association between this variant and the reported condition. Therefore, this variant is classified as a variant of uncertain significance.

Labcorp Genetics (formerly Invitae), Labcorp
Classification: Uncertain significance. Last evaluated: 2022-07-25. Review status: criteria provided, single submitter. Criteria: Invitae Variant Classification Sherloc (09022015). Collection method: clinical testing. Allele origin: germline.
Comment: ClinVar contains an entry for this variant (Variation ID: 1401628). In summary, the available evidence is currently insufficient to determine the role of this variant in disease. Therefore, it has been classified as a Variant of Uncertain Significance. Algorithms developed to predict the effect of missense changes on protein structure and function are either unavailable or do not agree on the potential impact of this missense change (SIFT: "Deleterious"; PolyPhen-2: "Benign"; Align-GVGD: "Class C0"). This variant has not been reported in the literature in individuals affected with PTDSS1-related conditions. This variant is present in population databases (rs762517295, gnomAD 0.006%). This sequence change replaces lysine, which is basic and polar, with threonine, which is neutral and polar, at codon 434 of the PTDSS1 protein (p.Lys434Thr).